The following is an entry in ClinVar:

NM_001735.3(C5):c.2973T>C (p.Val991=)

Gene: C5 (complement C5; minus strand). Cytogenetic location: 9q33.2.
Variant type: single nucleotide variant.
Coding change: c.2973T>C on transcript NM_001735.3 (MANE Select); coding-DNA position 2973, T replaced by C.
Protein change: p.Val991=; no amino-acid change (valine 991 retained).
Molecular consequence: synonymous variant.
Genome position (GRCh38, 1-based): chr9:120,989,749, A>G on the plus strand (T>C on the coding strand, the complement: C5 is on the minus strand). VCF-style: chr9-120989749-A-G. GRCh37 (hg19) VCF-style: chr9-123752027-A-G.
Other names: c.2991T>C, p.Val997= (NM_001317163.2).
Identifiers: ClinVar variation 3390251 (VCV003390251.14).

ClinVar aggregate classification (germline): Likely benign (1 of 4 stars; one submission).

Submission:

CeGaT Center for Human Genetics Tuebingen
Classification: Likely benign. Last evaluated: 2024-11-01. Review status: criteria provided, single submitter. Criteria: CeGaT Center For Human Genetics Tuebingen Variant Classification Criteria Version 2. Collection method: clinical testing. Allele origin: germline. Affected: yes. Observed: 1 variant allele.
Comment: C5: PM2:Supporting, BP4, BP7